The following is an entry in ClinVar:

ClinVar aggregate classification (germline): Uncertain significance. Review status: criteria provided, multiple submitters, no conflicts (2 of 4 stars). 2 submissions from 2 submitters: Uncertain significance (2). Last evaluated 2022-02-28.

Conditions:
Amyotrophic lateral sclerosis type 19. Identifiers: Orphanet 803, MedGen C3715155, MONDO:0014223, OMIM 615515.

Allele frequency attached by ClinVar (database versions not stated): TOPMed below 0.00001; gnomAD exomes 0.00001.
gnomAD v4.1: 16 of 1,613,316 alleles (0.00099%); highest among the groups gnomAD compares: Non-Finnish European, 0.0013%; no homozygotes.

Submissions (2):

Revvity Omics, Revvity
Classification: Uncertain significance for Amyotrophic lateral sclerosis type 19. Last evaluated: 2022-02-28. Review status: criteria provided, single submitter. Criteria: ACMG Guidelines, 2015. Collection method: clinical testing. Allele origin: germline.

Labcorp Genetics (formerly Invitae), Labcorp
Classification: Uncertain significance. Last evaluated: 2021-12-21. Review status: criteria provided, single submitter. Criteria: Invitae Variant Classification Sherloc (09022015). Collection method: clinical testing. Allele origin: germline.
Comment: This variant has not been reported in the literature in individuals affected with ERBB4-related conditions. This sequence change replaces methionine, which is neutral and non-polar, with leucine, which is neutral and non-polar, at codon 343 of the ERBB4 protein (p.Met343Leu). This variant is not present in population databases (gnomAD no frequency). Algorithms developed to predict the effect of missense changes on protein structure and function output the following: SIFT: "Tolerated"; PolyPhen-2: "Benign"; Align-GVGD: "Class C0". The leucine amino acid residue is found in multiple mammalian species, which suggests that this missense change does not adversely affect protein function. In summary, the available evidence is currently insufficient to determine the role of this variant in disease. Therefore, it has been classified as a Variant of Uncertain Significance.

NM_005235.3(ERBB4):c.1027A>T (p.Met343Leu)

Gene: ERBB4 (erb-b2 receptor tyrosine kinase 4; minus strand). Cytogenetic location: 2q34.
Variant type: single nucleotide variant.
Coding change: c.1027A>T on transcript NM_005235.3 (MANE Select); coding-DNA position 1027, A replaced by T.
Protein change: p.Met343Leu; replaces methionine 343 with leucine.
Molecular consequence: missense variant.
Genome position (GRCh38, 1-based): chr2:211,712,147, T>A on the plus strand (A>T on the coding strand, the complement: ERBB4 is on the minus strand). VCF-style: chr2-211712147-T-A. GRCh37 (hg19) VCF-style: chr2-212576872-T-A.
Other names: c.1027A>T, p.Met343Leu (NM_001042599.2); short protein forms M343L.
Identifiers: ClinVar variation 2195668 (VCV002195668.7), dbSNP rs2073724646, ClinGen allele CA350443537.